The following is an entry in ClinVar:

NM_152564.5(VPS13B):c.3805A>G (p.Ile1269Val)

Gene: VPS13B (vacuolar protein sorting 13 homolog B; plus strand). Cytogenetic location: 8q22.2.
Variant type: single nucleotide variant.
Coding change: c.3805A>G on transcript NM_152564.5 (MANE Select); coding-DNA position 3805, A replaced by G.
Protein change: p.Ile1269Val; replaces isoleucine 1269 with valine.
Molecular consequence: missense variant.
Genome position (GRCh38, 1-based): chr8:99,481,737, A>G. VCF-style: chr8-99481737-A-G. GRCh37 (hg19) VCF-style: chr8-100493965-A-G.
Other names: c.3805A>G, p.Ile1269Val (NM_017890.5); short protein forms I1269V.
Identifiers: ClinVar variation 1429651 (VCV001429651.3), dbSNP rs778799166, ClinGen allele CA4823340.
Genomic context (GRCh38, chr8:99,481,737, plus strand): 5'-TCTCCAACCTCTCCAGAGACCATGGCAGGGCCTGTTCCTACTTCTCCAGTTAGAAGCAGT[A>G]TAGGCACAGCTCCTCCAGATACCAGCACATGCAGCCCATCTGCTGACATTGGGACTACTA-3'
Protein context (NP_689777.3, residues 1259-1279): PVPTSPVRSS[Ile1269Val]GTAPPDTSTC

ClinVar aggregate classification (germline): Uncertain significance (1 of 4 stars; one submission).

Conditions:
Cohen syndrome (COH1). Also called: Cutis verticis gyrata, retinitis pigmentosa, and sensorineural deafness; PEPPER SYNDROME. Identifiers: Orphanet 193, MedGen C0265223, MONDO:0008999, OMIM 216550.

Allele frequency attached by ClinVar (database versions not stated): gnomAD exomes below 0.00001 and 0.00001; ExAC 0.00001; gnomAD 0.00001.
gnomAD v4.1: 6 of 1,613,896 alleles (0.00037%); highest among the groups gnomAD compares: South Asian, 0.0022%; no homozygotes.

Submission:

Labcorp Genetics (formerly Invitae), Labcorp
Classification: Uncertain significance for Cohen syndrome. Last evaluated: 2022-07-12. Review status: criteria provided, single submitter. Criteria: Invitae Variant Classification Sherloc (09022015). Collection method: clinical testing. Allele origin: germline.
Comment: This sequence change replaces isoleucine, which is neutral and non-polar, with valine, which is neutral and non-polar, at codon 1269 of the VPS13B protein (p.Ile1269Val). This variant is present in population databases (rs778799166, gnomAD 0.004%). This variant has not been reported in the literature in individuals affected with VPS13B-related conditions. ClinVar contains an entry for this variant (Variation ID: 1429651). Algorithms developed to predict the effect of missense changes on protein structure and function output the following: SIFT: "Not Available"; PolyPhen-2: "Benign"; Align-GVGD: "Not Available". The valine amino acid residue is found in multiple mammalian species, which suggests that this missense change does not adversely affect protein function. Algorithms developed to predict the effect of sequence changes on RNA splicing suggest that this variant may create or strengthen a splice site. In summary, the available evidence is currently insufficient to determine the role of this variant in disease. Therefore, it has been classified as a Variant of Uncertain Significance.